The following is an entry in ClinVar:

NM_004239.4(TRIP11):c.3858G>A (p.Gln1286=)

Gene: TRIP11 (thyroid hormone receptor interactor 11; minus strand). Cytogenetic location: 14q32.12.
Variant type: single nucleotide variant.
Coding change: c.3858G>A on transcript NM_004239.4 (MANE Select); coding-DNA position 3858, G replaced by A.
Protein change: p.Gln1286=; no amino-acid change (glutamine 1286 retained).
Molecular consequence: synonymous variant.
Genome position (GRCh38, 1-based): chr14:92,004,118, C>T on the plus strand (G>A on the coding strand, the complement: TRIP11 is on the minus strand). VCF-style: chr14-92004118-C-T. GRCh37 (hg19) VCF-style: chr14-92470462-C-T.
Other names: c.3855G>A, p.Gln1285= (NM_001321851.1).
Identifiers: ClinVar variation 379646 (VCV000379646.20), dbSNP rs35798420, ClinGen allele CA7313569.

ClinVar aggregate classification (germline): Benign/Likely benign. Review status: criteria provided, multiple submitters, no conflicts (2 of 4 stars). 7 submissions from 7 submitters: Benign (5); Likely benign (2). Last evaluated 2026-05-11.

Conditions:
Achondrogenesis, type IA (ACG1A). Identifiers: Orphanet 932, Orphanet 93299, MedGen C0265273, MONDO:0008701, OMIM 200600.

Allele frequency attached by ClinVar (database versions not stated): gnomAD exomes 0.00048 and 0.00113; ExAC 0.00144; 1000 Genomes Project 0.00419; 1000 Genomes Project 30x 0.00437; gnomAD 0.00515 and 0.00558; ESP Exome Variant Server 0.00546; TOPMed 0.00609.
gnomAD v4.1: 1,507 of 1,614,170 alleles (0.093%); highest among the groups gnomAD compares: African/African-American, 1.8%; 15 homozygotes.

Submissions (7):

Women's Health and Genetics/Laboratory Corporation of America, LabCorp
Classification: Likely benign. Last evaluated: 2026-05-11. Review status: criteria provided, single submitter. Criteria: LabCorp Variant Classification Summary - May 2015. Collection method: clinical testing. Allele origin: germline.

Labcorp Genetics (formerly Invitae), Labcorp
Classification: Benign for Achondrogenesis, type IA. Last evaluated: 2026-01-26. Review status: criteria provided, single submitter. Criteria: Invitae Variant Classification Sherloc (09022015). Collection method: clinical testing. Allele origin: germline.

Blueprint Genetics
Classification: Likely benign. Last evaluated: 2024-11-13. Review status: criteria provided, single submitter. Criteria: ACMG Guidelines, 2015. Collection method: clinical testing. Allele origin: germline.

ARUP Laboratories, Molecular Genetics and Genomics, ARUP Laboratories
Classification: Benign. Last evaluated: 2022-09-16. Review status: criteria provided, single submitter. Criteria: ARUP Molecular Germline Variant Investigation Process 2021. Collection method: clinical testing. Allele origin: germline.

Illumina Laboratory Services, Illumina
Classification: Benign for Achondrogenesis, type IA. Last evaluated: 2018-01-12. Review status: criteria provided, single submitter. Criteria: ICSL Variant Classification Criteria 13 December 2019. Collection method: clinical testing. Allele origin: germline.
Comment: This variant was observed in the ICSL laboratory as part of a predisposition screen in an ostensibly healthy population. It had not been previously curated by ICSL or reported in the Human Gene Mutation Database (HGMD: prior to June 1st, 2018), and was therefore a candidate for classification through an automated scoring system. Utilizing variant allele frequency, disease prevalence and penetrance estimates, and inheritance mode, an automated score was calculated to assess if this variant is too frequent to cause the disease. Based on the score and internal cut-off values, a variant classified as benign is not then subjected to further curation. The score for this variant resulted in a classification of benign for this disease.

GeneDx
Classification: Benign. Last evaluated: 2016-05-16. Review status: criteria provided, single submitter. Criteria: GeneDx Variant Classification (06012015). Collection method: clinical testing. Allele origin: germline. Affected: yes.
Comment: This variant is considered likely benign or benign based on one or more of the following criteria: it is a conservative change, it occurs at a poorly conserved position in the protein, it is predicted to be benign by multiple in silico algorithms, and/or has population frequency not consistent with disease.

Breakthrough Genomics
Classification: Benign. Review status: criteria provided, single submitter. Criteria: ACMG Guidelines, 2015. Collection method: not provided. Allele origin: germline. Inheritance: Autosomal recessive inheritance. Affected: yes.